The following is an entry in ClinVar:

ClinVar aggregate classification (germline): Likely pathogenic (1 of 4 stars; one submission).

Conditions:
Pelizaeus-Merzbacher disease. Also called: LEUKODYSTROPHY, HYPOMYELINATING, 1; Sudanophilic leukodystrophy; Pelizaeus-Merzbacher spectrum disorder; Pelizaeus-Merzbacher Disease (PMD); Pelizeaus-Merzbacher spectrum disorder. Identifiers: Orphanet 702, MedGen C0205711, MONDO:0010714, OMIM 312080, HP:0003269.

Submission:

Molecular Diagnostics Lab, Nemours Children's Health, Delaware
Classification: Likely pathogenic for Pelizaeus-Merzbacher disease. Last evaluated: 2021-12-10. Review status: criteria provided, single submitter. Criteria: ACMG Guidelines, 2015. Collection method: clinical testing. Allele origin: maternal, unknown. Inheritance: X-linked inheritance. Affected: yes and no. Observed: 1 heterozygote, 1 hemizygote.
Comment: This missense variant (c.453G>T, p.Lys151Asn) is the last nucleotide af exon 3. It has not been observed in population databases (gnomAD). It has been described in the literature, and functional studies indicate a deleterious effect on protein expression (PMID 12601703, PMID 16287154, PMID 30195779).

Literature cited by the submitters: PubMed 12601703; PubMed 16287154; PubMed 30195779.

NM_000533.5(PLP1):c.453G>T (p.Lys151Asn)

Genes: PLP1 (proteolipid protein 1; plus strand), RAB9B (RAB9B, member RAS oncogene family; minus strand). Cytogenetic location: Xq22.2.
Variant type: single nucleotide variant.
Coding change: c.453G>T on transcript NM_000533.5 (MANE Select); coding-DNA position 453, G replaced by T.
Protein change: p.Lys151Asn; replaces lysine 151 with asparagine.
Molecular consequence: missense variant. On other transcripts: intron variant (1).
Genome position (GRCh38, 1-based): chrX:103,786,726, G>T. VCF-style: chrX-103786726-G-T. GRCh37 (hg19) VCF-style: chrX-103041655-G-T.
Other names: c.453G>T, p.Lys151Asn (NM_001128834.3); c.288G>T, p.Lys96Asn (NM_001305004.1); c.348+105G>T (NM_199478.3); short protein forms K151N, K96N.
Identifiers: ClinVar variation 3255430 (VCV003255430.2), dbSNP rs886044450.
Genomic context (GRCh38, chrX:103,786,726, plus strand): 5'-AGCTCATTCTTTGGAGCGGGTGTGTCATTGTTTGGGAAAATGGCTAGGACATCCCGACAA[G>T]GTGATCATCCTCAGGATTTTGTGGCAATAACAAGGGGTGGGGGAAAATTGGGCGCGAGTC-3'
Protein context (NP_000524.3, residues 141-161): CLGKWLGHPD[Lys151Asn]FVGITYALTV